The following is an entry in ClinVar:

ClinVar aggregate classification (germline): Benign (1 of 4 stars; one submission).

Conditions:
Breast-ovarian cancer, familial, susceptibility to, 4. Identifiers: Orphanet 145, MedGen C3280345, MONDO:0013669, OMIM 614291.

Submission:

Myriad Genetics, Inc.
Classification: Benign for Breast-ovarian cancer, familial, susceptibility to, 4. Last evaluated: 2025-02-25. Review status: criteria provided, single submitter. Criteria: Myriad Autosomal Dominant, Autosomal Recessive and X-Linked Classification Criteria (2023). Collection method: clinical testing. Allele origin: unknown.
Comment: This variant is considered benign. This variant occurs in the non-coding 3' untranslated region of the gene, and is not expected to impact protein function.

NM_002878.4(RAD51D):c.*4G>T

Genes: RAD51L3-RFFL (RAD51L3-RFFL readthrough; minus strand), RAD51D (RAD51 paralog D; minus strand). Cytogenetic location: 17q12.
Variant type: single nucleotide variant.
Coding change: c.*4G>T on transcript NM_002878.4 (MANE Select); 4 bases downstream of the stop codon, G replaced by T.
Molecular consequence: 3 prime UTR variant. On other transcripts: non-coding transcript variant (2).
Genome position (GRCh38, 1-based): chr17:35,100,949, C>A on the plus strand (G>T on the coding strand, the complement: RAD51D is on the minus strand). VCF-style: chr17-35100949-C-A. GRCh37 (hg19) VCF-style: chr17-33427968-C-A.
Other names: c.*4G>T (NM_001142571.2, NM_133629.3).
Identifiers: ClinVar variation 3903513 (VCV003903513.1).